The following is an entry in ClinVar:

NM_000557.5(GDF5):c.1232A>C (p.Asp411Ala)

Genes: GDF5 (growth differentiation factor 5; minus strand), GDF5-AS1 (GDF5 antisense RNA 1; plus strand). Cytogenetic location: 20q11.22.
Variant type: single nucleotide variant.
Coding change: c.1232A>C on transcript NM_000557.5 (MANE Select); coding-DNA position 1232, A replaced by C.
Protein change: p.Asp411Ala; replaces aspartic acid 411 with alanine.
Molecular consequence: missense variant. On other transcripts: non-coding transcript variant (1).
Genome position (GRCh38, 1-based): chr20:35,434,183, T>G on the plus strand (A>C on the coding strand, the complement: GDF5 is on the minus strand). VCF-style: chr20-35434183-T-G. GRCh37 (hg19) VCF-style: chr20-34021981-T-G.
Other names: c.1232A>C, p.Asp411Ala (NM_001319138.2); short protein forms D411A.
Identifiers: ClinVar variation 2975312 (VCV002975312.3), dbSNP rs1434371813, ClinGen allele CA408738975.

ClinVar aggregate classification (germline): Uncertain significance (1 of 4 stars; one submission).

Allele frequency attached by ClinVar (database versions not stated): gnomAD 0.00001; gnomAD exomes 0.00001; TOPMed 0.00001.
gnomAD v4.1: 12 of 1,614,088 alleles (0.00074%); highest among the groups gnomAD compares: Non-Finnish European, 0.001%; no homozygotes.

Submission:

Labcorp Genetics (formerly Invitae), Labcorp
Classification: Uncertain significance. Last evaluated: 2023-07-14. Review status: criteria provided, single submitter. Criteria: Invitae Variant Classification Sherloc (09022015). Collection method: clinical testing. Allele origin: germline.
Comment: In summary, the available evidence is currently insufficient to determine the role of this variant in disease. Therefore, it has been classified as a Variant of Uncertain Significance. Advanced modeling of protein sequence and biophysical properties (such as structural, functional, and spatial information, amino acid conservation, physicochemical variation, residue mobility, and thermodynamic stability) performed at Invitae indicates that this missense variant is not expected to disrupt GDF5 protein function. This variant has not been reported in the literature in individuals affected with GDF5-related conditions. This variant is present in population databases (no rsID available, gnomAD 0.0009%). This sequence change replaces aspartic acid, which is acidic and polar, with alanine, which is neutral and non-polar, at codon 411 of the GDF5 protein (p.Asp411Ala).